The following is an entry in ClinVar:

ClinVar aggregate classification (germline): Uncertain significance. Review status: criteria provided, multiple submitters, no conflicts (2 of 4 stars). 2 submissions from 2 submitters: Uncertain significance (2). Last evaluated 2025-05-23.

Conditions:
Hypertrophic cardiomyopathy 2. Also called: TNNT2-Related Familial Hypertrophic Cardiomyopathy. Identifiers: MedGen C1861864, MONDO:0007266, OMIM 115195.
Dilated cardiomyopathy 1D. Identifiers: Orphanet 154, Orphanet 54260, MedGen C1832243, MONDO:0011095, OMIM 601494.
Cardiomyopathy, familial restrictive, 3. Identifiers: Orphanet 75249, MedGen C2676271, MONDO:0012900, OMIM 612422.

Submissions (2):

Labcorp Genetics (formerly Invitae), Labcorp
Classification: Uncertain significance for Cardiomyopathy, familial restrictive, 3; Hypertrophic cardiomyopathy 2; Dilated cardiomyopathy 1D. Last evaluated: 2025-05-23. Review status: criteria provided, single submitter. Criteria: Invitae Variant Classification Sherloc (09022015). Collection method: clinical testing. Allele origin: germline.
Comment: This sequence change replaces alanine, which is neutral and non-polar, with threonine, which is neutral and polar, at codon 55 of the TNNT2 protein (p.Ala55Thr). This variant is not present in population databases (gnomAD no frequency). This variant has not been reported in the literature in individuals affected with TNNT2-related conditions. Invitae Evidence Modeling of protein sequence and biophysical properties (such as structural, functional, and spatial information, amino acid conservation, physicochemical variation, residue mobility, and thermodynamic stability) indicates that this missense variant is not expected to disrupt TNNT2 protein function with a negative predictive value of 80%. In summary, the available evidence is currently insufficient to determine the role of this variant in disease. Therefore, it has been classified as a Variant of Uncertain Significance.

GeneDx
Classification: Uncertain significance. Last evaluated: 2025-05-21. Review status: criteria provided, single submitter. Criteria: GeneDx Variant Classification Process June 2021. Collection method: clinical testing. Allele origin: germline. Affected: yes.
Comment: Not observed at significant frequency in large population cohorts (gnomAD); In silico analysis suggests that this missense variant does not alter protein structure/function; Has not been previously published as pathogenic or benign to our knowledge

NM_001276345.2(TNNT2):c.193G>A (p.Ala65Thr)

Gene: TNNT2 (troponin T2, cardiac type; minus strand). Cytogenetic location: 1q32.1.
Variant type: single nucleotide variant.
Coding change: c.193G>A on transcript NM_001276345.2 (MANE Select); coding-DNA position 193, G replaced by A.
Protein change: p.Ala65Thr; replaces alanine 65 with threonine.
Molecular consequence: missense variant.
Genome position (GRCh38, 1-based): chr1:201,367,777, C>T on the plus strand (G>A on the coding strand, the complement: TNNT2 is on the minus strand). VCF-style: chr1-201367777-C-T. GRCh37 (hg19) VCF-style: chr1-201336905-C-T.
Other names: c.193G>A, p.Ala65Thr (NM_000364.4, NM_001406723.1); c.163G>A, p.Ala55Thr (NM_001001430.3, NM_001001431.3, NM_001276347.2 and 3 more transcripts); c.148G>A, p.Ala50Thr (NM_001001432.3, NM_001406728.1); c.190G>A, p.Ala64Thr (NM_001276346.2); c.160G>A, p.Ala54Thr (NM_001406725.1); short protein forms A50T, A54T, A55T, A64T, A65T.
Identifiers: ClinVar variation 4531101 (VCV004531101.2).
Genomic context (GRCh38, chr1:201,367,777, plus strand): 5'-GCTGCTGTGAGGGGTTCCTTTGCCTCCCTTGTACCTCTCTCCTGATATCCTTACCTTCAG[C>T]CTCCTTTGCTTCCTCTTCTTCTTCATCTTCTAAATGAAACACGAGAAATCAATCAAGGTC-3'
Protein context (NP_001263274.1, residues 55-75): EDEEEEEAKE[Ala65Thr]EDGPMEESKP